The following is an entry in ClinVar:

NM_145117.5(NAV2):c.1320G>A (p.Glu440=)

Gene: NAV2 (neuron navigator 2; plus strand). Cytogenetic location: 11p15.1.
Variant type: single nucleotide variant.
Coding change: c.1320G>A on transcript NM_145117.5 (MANE Select); coding-DNA position 1320, G replaced by A.
Protein change: p.Glu440=; no amino-acid change (glutamic acid 440 retained).
Molecular consequence: synonymous variant.
Genome position (GRCh38, 1-based): chr11:19,933,564, G>A. VCF-style: chr11-19933564-G-A. GRCh37 (hg19) VCF-style: chr11-19955110-G-A.
Other names: c.1128G>A, p.Glu376= (NM_001111018.2); c.1389G>A, p.Glu463= (NM_001244963.2); c.1320G>A, p.Glu440= (NM_182964.6).
Identifiers: ClinVar variation 2641678 (VCV002641678.25), dbSNP rs148875394, ClinGen allele CA5917869.

ClinVar aggregate classification (germline): Likely benign. Review status: criteria provided, single submitter (1 of 4 stars). 2 submissions from 2 submitters: Likely benign (1). 1 of the submissions does not count toward it. Last evaluated 2022-08-01.

Conditions:
NAV2-related disorder. Also called: NAV2-related condition.

Allele frequency attached by ClinVar (database versions not stated): ESP Exome Variant Server 0.00146; 1000 Genomes Project 0.00160; 1000 Genomes Project 30x 0.00172; gnomAD 0.00187; ExAC 0.00205; TOPMed 0.00206; gnomAD exomes 0.00251.
gnomAD v4.1: 4,000 of 1,610,456 alleles (0.25%); highest among the groups gnomAD compares: Middle Eastern, 0.43%; 16 homozygotes.

Submissions (2):

CeGaT Center for Human Genetics Tuebingen
Classification: Likely benign. Last evaluated: 2022-08-01. Review status: criteria provided, single submitter. Criteria: CeGaT Center For Human Genetics Tuebingen Variant Classification Criteria Version 2. Collection method: clinical testing. Allele origin: germline. Affected: yes. Observed: 2 variant alleles.
Comment: NAV2: BP4, BP7

PreventionGenetics, part of Exact Sciences
Classification: Benign for NAV2-related condition. Last evaluated: 2019-12-11. Review status: no assertion criteria provided. Collection method: clinical testing. Allele origin: germline. Not counted in ClinVar's aggregate classification.
Comment: This variant is classified as benign based on ACMG/AMP sequence variant interpretation guidelines (Richards et al. 2015 PMID: 25741868, with internal and published modifications).